The following is an entry in ClinVar:

ClinVar aggregate classification (germline): Uncertain significance. Review status: criteria provided, multiple submitters, no conflicts (2 of 4 stars). 3 submissions from 3 submitters: Uncertain significance (3). Last evaluated 2026-01-20.

Conditions:
Inborn genetic diseases. Identifiers: MedGen C0950123, MeSH D030342.
Pitt-Hopkins-like syndrome 2 (PTHSL2). Identifiers: Orphanet 221150, Orphanet 600663, MedGen C3280479, MONDO:0013690, OMIM 614325.
NRXN1-related disorder.

Allele frequency attached by ClinVar (database versions not stated): ExAC below 0.00001; gnomAD exomes 0.00001 and 0.00003; gnomAD 0.00002; TOPMed 0.00002.
gnomAD v4.1: 45 of 1,602,842 alleles (0.0028%); highest among the groups gnomAD compares: South Asian, 0.01%; no homozygotes.

Submissions (3):

PreventionGenetics, part of Exact Sciences
Classification: Uncertain significance for NRXN1-related condition. Last evaluated: 2026-01-20. Review status: criteria provided, single submitter. Criteria: ACMG Guidelines, 2015. Collection method: clinical testing. Allele origin: germline.
Comment: The NRXN1 c.834A>C variant is predicted to result in the amino acid substitution p.Lys278Asn. To our knowledge, this variant has not been reported in the literature. This variant is reported in 0.0019% of alleles in individuals of European (Non-Finnish) descent in gnomAD. At this time, the clinical significance of this variant is uncertain due to the absence of conclusive functional and genetic evidence.

Labcorp Genetics (formerly Invitae), Labcorp
Classification: Uncertain significance for Pitt-Hopkins-like syndrome 2. Last evaluated: 2024-03-30. Review status: criteria provided, single submitter. Criteria: Invitae Variant Classification Sherloc (09022015). Collection method: clinical testing. Allele origin: germline.
Comment: This sequence change replaces lysine, which is basic and polar, with asparagine, which is neutral and polar, at codon 278 of the NRXN1 protein (p.Lys278Asn). This variant is present in population databases (rs200332062, gnomAD 0.002%). This variant has not been reported in the literature in individuals affected with NRXN1-related conditions. ClinVar contains an entry for this variant (Variation ID: 206262). An algorithm developed to predict the effect of missense changes on protein structure and function (PolyPhen-2) suggests that this variant is likely to be tolerated. In summary, the available evidence is currently insufficient to determine the role of this variant in disease. Therefore, it has been classified as a Variant of Uncertain Significance.

Ambry Genetics
Classification: Uncertain significance for Inborn genetic diseases. Last evaluated: 2017-10-27. Review status: criteria provided, single submitter. Criteria: Ambry Variant Classification Scheme 2023. Collection method: clinical testing. Allele origin: germline.
Comment: The p.K278N variant (also known as c.834A>C), located in coding exon 2 of the NRXN1 gene, results from an A to C substitution at nucleotide position 834. The lysine at codon 278 is replaced by asparagine, an amino acid with similar properties. This amino acid position is not well conserved in available vertebrate species. In addition, this alteration is predicted to be tolerated by in silico analysis. Since supporting evidence is limited at this time, the clinical significance of this alteration remains unclear.

NM_001330078.2(NRXN1):c.772+1094A>C

Gene: NRXN1 (neurexin 1; minus strand). Cytogenetic location: 2p16.3.
Variant type: single nucleotide variant.
Coding change: c.772+1094A>C on transcript NM_001330078.2 (MANE Select); 1094 bases into the intron after coding-DNA position 772, A replaced by C.
Molecular consequence: intron variant. On other transcripts: missense variant (1).
Genome position (GRCh38, 1-based): chr2:51,026,408, T>G on the plus strand (A>C on the coding strand, the complement: NRXN1 is on the minus strand). VCF-style: chr2-51026408-T-G. GRCh37 (hg19) VCF-style: chr2-51253546-T-G.
Other names: c.772+1094A>C (NM_001330094.2, NM_001330095.2, NM_001330082.2 and 14 more transcripts); c.834A>C (NM_001135659.2); c.834A>C, p.Lys278Asn (NM_001135659.3); short protein forms K278N.
Identifiers: ClinVar variation 206262 (VCV000206262.11), dbSNP rs200332062, ClinGen allele CA316171.